The following is an entry in ClinVar:

ClinVar aggregate classification (germline): Uncertain significance (1 of 4 stars; one submission).

Conditions:
Familial thoracic aortic aneurysm and aortic dissection (TAAD). Also called: Thoracic aortic aneurysms and dissections. Identifiers: Orphanet 91387, MedGen C4707243, MONDO:0019625.

Submission:

Ambry Genetics
Classification: Uncertain significance for Familial thoracic aortic aneurysm and aortic dissection. Last evaluated: 2023-04-28. Review status: criteria provided, single submitter. Criteria: Ambry Variant Classification Scheme 2023. Collection method: clinical testing. Allele origin: germline.
Comment: The p.P652L variant (also known as c.1955C>T), located in coding exon 12 of the MYLK gene, results from a C to T substitution at nucleotide position 1955. The proline at codon 652 is replaced by leucine, an amino acid with similar properties. This amino acid position is conserved. In addition, the in silico prediction for this alteration is inconclusive. Since supporting evidence is limited at this time, the clinical significance of this alteration remains unclear.

NM_053025.4(MYLK):c.1955C>T (p.Pro652Leu)

Gene: MYLK (myosin light chain kinase; minus strand). Cytogenetic location: 3q21.1.
Variant type: single nucleotide variant.
Coding change: c.1955C>T on transcript NM_053025.4 (MANE Select); coding-DNA position 1955, C replaced by T.
Protein change: p.Pro652Leu; replaces proline 652 with leucine.
Molecular consequence: missense variant.
Genome position (GRCh38, 1-based): chr3:123,708,883, G>A on the plus strand (C>T on the coding strand, the complement: MYLK is on the minus strand). VCF-style: chr3-123708883-G-A. GRCh37 (hg19) VCF-style: chr3-123427730-G-A.
Other names: c.1427C>T, p.Pro476Leu (NM_001321309.2); c.1748C>T, p.Pro583Leu (NM_053026.4, NM_053028.4); c.1955C>T, p.Pro652Leu (NM_053027.4); short protein forms P583L, P476L, P652L.
Identifiers: ClinVar variation 2567248 (VCV002567248.2), dbSNP rs761892127, ClinGen allele CA354234588.